The following is an entry in ClinVar:

NM_182961.4(SYNE1):c.8222G>A (p.Arg2741Lys)

Gene: SYNE1 (spectrin repeat containing nuclear envelope protein 1; minus strand). Cytogenetic location: 6q25.2.
Variant type: single nucleotide variant.
Coding change: c.8222G>A on transcript NM_182961.4 (MANE Select); coding-DNA position 8222, G replaced by A.
Protein change: p.Arg2741Lys; replaces arginine 2741 with lysine.
Molecular consequence: missense variant.
Genome position (GRCh38, 1-based): chr6:152,387,337, C>T on the plus strand (G>A on the coding strand, the complement: SYNE1 is on the minus strand). VCF-style: chr6-152387337-C-T. GRCh37 (hg19) VCF-style: chr6-152708472-C-T.
Other names: c.8243G>A, p.Arg2748Lys (NM_033071.5); short protein forms R2748K, R2741K.
Identifiers: ClinVar variation 1428850 (VCV001428850.6), dbSNP rs181218387, ClinGen allele CA4057590.

ClinVar aggregate classification (germline): Uncertain significance (1 of 4 stars; one submission).

Conditions:
Emery-Dreifuss muscular dystrophy 4, autosomal dominant (EDMD4). Also called: EMERY-DREIFUSS MUSCULAR DYSTROPHY 4 WITH VARIABLE FEATURES. Identifiers: Orphanet 261, MedGen C2751807, MONDO:0013071, OMIM 612998.
Autosomal recessive ataxia, Beauce type. Also called: Spinocerebellar ataxia, autosomal recessive 8; ATAXIA, RECESSIVE, OF BEAUCE; SYNE1 Deficiency; SYNE1-Related Autosomal Recessive Cerebellar Ataxia. Identifiers: Orphanet 88644, MedGen C1853116, MONDO:0012549, OMIM 610743.

Allele frequency attached by ClinVar (database versions not stated): gnomAD exomes 0.00005 and 0.00002; ExAC 0.00007; 1000 Genomes Project 30x 0.00016; 1000 Genomes Project 0.00020; gnomAD 0.00001; TOPMed 0.00003.
gnomAD v4.1: 13 of 1,614,160 alleles (0.00081%); highest among the groups gnomAD compares: Admixed American, 0.018%; 1 homozygote.

Submission:

Labcorp Genetics (formerly Invitae), Labcorp
Classification: Uncertain significance for Emery-Dreifuss muscular dystrophy 4, autosomal dominant; Autosomal recessive ataxia, Beauce type. Last evaluated: 2025-06-23. Review status: criteria provided, single submitter. Criteria: Invitae Variant Classification Sherloc (09022015). Collection method: clinical testing. Allele origin: germline.
Comment: This sequence change replaces arginine, which is basic and polar, with lysine, which is basic and polar, at codon 2748 of the SYNE1 protein (p.Arg2748Lys). This variant is present in population databases (rs181218387, gnomAD 0.03%). This variant has not been reported in the literature in individuals affected with SYNE1-related conditions. ClinVar contains an entry for this variant (Variation ID: 1428850). An algorithm developed to predict the effect of missense changes on protein structure and function outputs the following: PolyPhen-2: "Benign". The lysine amino acid residue is found in multiple mammalian species, which suggests that this missense change does not adversely affect protein function. In summary, the available evidence is currently insufficient to determine the role of this variant in disease. Therefore, it has been classified as a Variant of Uncertain Significance.